The following is an entry in ClinVar:

ClinVar aggregate classification (germline): Likely benign (1 of 4 stars; one submission).

Allele frequency attached by ClinVar (database versions not stated): ExAC 0.00006; gnomAD 0.00006; TOPMed 0.00006; gnomAD exomes 0.00007; ESP Exome Variant Server 0.00019.
gnomAD v4.1: 82 of 1,207,970 alleles (0.0068%); highest among the groups gnomAD compares: Non-Finnish European, 0.0083%; no homozygotes.

Submission:

CeGaT Center for Human Genetics Tuebingen
Classification: Likely benign. Last evaluated: 2023-05-01. Review status: criteria provided, single submitter. Criteria: CeGaT Center For Human Genetics Tuebingen Variant Classification Criteria Version 2. Collection method: clinical testing. Allele origin: germline. Affected: yes. Observed: 1 variant allele.
Comment: FGF13: BP4, BP7, BS2

NM_004114.5(FGF13):c.702C>T (p.Asn234=)

Gene: FGF13 (fibroblast growth factor 13; minus strand). Cytogenetic location: Xq26.3.
Variant type: single nucleotide variant.
Coding change: c.702C>T on transcript NM_004114.5 (MANE Select); coding-DNA position 702, C replaced by T.
Protein change: p.Asn234=; no amino-acid change (asparagine 234 retained).
Molecular consequence: synonymous variant.
Genome position (GRCh38, 1-based): chrX:138,632,886, G>A on the plus strand (C>T on the coding strand, the complement: FGF13 is on the minus strand). VCF-style: chrX-138632886-G-A. GRCh37 (hg19) VCF-style: chrX-137715047-G-A.
Other names: c.564C>T, p.Asn188= (NM_001139498.2); c.732C>T, p.Asn244= (NM_001139500.2); c.645C>T, p.Asn215= (NM_001139501.2, NM_001139502.2); c.543C>T, p.Asn181= (NM_033642.3).
Identifiers: ClinVar variation 2571381 (VCV002571381.27), dbSNP rs371293414, ClinGen allele CA10529441.